The following is an entry in ClinVar:

ClinVar aggregate classification (germline): Uncertain significance. Review status: criteria provided, multiple submitters, no conflicts (2 of 4 stars). 2 submissions from 2 submitters: Uncertain significance (2). Last evaluated 2024-04-01.

Conditions:
Mitochondrial complex II deficiency, nuclear type 1. Also called: SUCCINATE CoQ REDUCTASE DEFICIENCY. Identifiers: Orphanet 3208, MedGen C5700310, MONDO:0100294, OMIM 252011.
Pheochromocytoma/paraganglioma syndrome 5. Also called: Paragangliomas 5; SDHA-Related Hereditary Paraganglioma-Pheochromocytoma Syndrome. Identifiers: Orphanet 29072, MedGen C3279992, MONDO:0013602, OMIM 614165.
Hereditary cancer-predisposing syndrome. Also called: Neoplastic Syndromes, Hereditary; Tumor predisposition; Hereditary Cancer Syndrome; Hereditary neoplastic syndrome. Identifiers: Orphanet 140162, MedGen C0027672, MeSH D009386, MONDO:0015356.

Allele frequency attached by ClinVar (database versions not stated): TOPMed below 0.00001.

Submissions (2):

Labcorp Genetics (formerly Invitae), Labcorp
Classification: Uncertain significance for Pheochromocytoma/paraganglioma syndrome 5; Mitochondrial complex II deficiency, nuclear type 1. Last evaluated: 2024-04-01. Review status: criteria provided, single submitter. Criteria: Invitae Variant Classification Sherloc (09022015). Collection method: clinical testing. Allele origin: germline.
Comment: This sequence change replaces glutamic acid, which is acidic and polar, with glutamine, which is neutral and polar, at codon 374 of the SDHA protein (p.Glu374Gln). This variant is not present in population databases (gnomAD no frequency). This variant has not been reported in the literature in individuals affected with SDHA-related conditions. Advanced modeling of protein sequence and biophysical properties (such as structural, functional, and spatial information, amino acid conservation, physicochemical variation, residue mobility, and thermodynamic stability) performed at Invitae indicates that this missense variant is not expected to disrupt SDHA protein function with a negative predictive value of 95%. In summary, the available evidence is currently insufficient to determine the role of this variant in disease. Therefore, it has been classified as a Variant of Uncertain Significance.

Ambry Genetics
Classification: Uncertain significance for Hereditary cancer-predisposing syndrome. Last evaluated: 2023-09-23. Review status: criteria provided, single submitter. Criteria: Ambry Variant Classification Scheme 2023. Collection method: clinical testing. Allele origin: germline.
Comment: The p.E374Q variant (also known as c.1120G>C), located in coding exon 9 of the SDHA gene, results from a G to C substitution at nucleotide position 1120. The glutamic acid at codon 374 is replaced by glutamine, an amino acid with highly similar properties. This amino acid position is conserved. In addition, this alteration is predicted to be tolerated by in silico analysis. Since supporting evidence is limited at this time, the clinical significance of this alteration remains unclear.

NM_004168.4(SDHA):c.1120G>C (p.Glu374Gln)

Gene: SDHA (succinate dehydrogenase complex flavoprotein subunit A; plus strand). Cytogenetic location: 5p15.33.
Variant type: single nucleotide variant.
Coding change: c.1120G>C on transcript NM_004168.4 (MANE Select); coding-DNA position 1120, G replaced by C.
Protein change: p.Glu374Gln; replaces glutamic acid 374 with glutamine.
Molecular consequence: missense variant.
Genome position (GRCh38, 1-based): chr5:235,199, G>C. VCF-style: chr5-235199-G-C. GRCh37 (hg19) VCF-style: chr5-235314-G-C.
Other names: c.1120G>C (NM_004168.2); c.976G>C, p.Glu326Gln (NM_001294332.2); c.1120G>C, p.Glu374Gln (NM_001330758.2); short protein forms E326Q, E374Q.
Identifiers: ClinVar variation 2928349 (VCV002928349.4), dbSNP rs1387837713, ClinGen allele CA359013496.